The following is an entry in ClinVar:

NM_006506.5(RASA2):c.527+15del

Gene: RASA2 (RAS p21 protein activator 2; plus strand). Cytogenetic location: 3q23.
Variant type: Deletion.
Coding change: c.527+15del on transcript NM_006506.5 (MANE Select); 15 bases into the intron after coding-DNA position 527, one base deleted (T; older notation c.527+15delT).
Molecular consequence: intron variant.
Genome position (GRCh38, 1-based): chr3:141,540,624, T deleted; the last of 8 consecutive T bases (chr3:141,540,617-141,540,624); deleting any one gives the same sequence. VCF-style (leftmost placement, unchanged base first): chr3-141540616-AT-A. GRCh37 (hg19) VCF-style: chr3-141259458-AT-A.
Other names: c.527+15del (NM_001303245.3, NM_001303246.3); c.527+15delT (NM_006506.5).
Identifiers: ClinVar variation 3023975 (VCV003023975.4), dbSNP rs562128860, ClinGen allele CA2645218.

ClinVar aggregate classification (germline): Benign. Review status: criteria provided, multiple submitters, no conflicts (2 of 4 stars). 2 submissions from 2 submitters: Benign (2). Last evaluated 2024-08-12.

Submissions (2):

Women's Health and Genetics/Laboratory Corporation of America, LabCorp
Classification: Benign. Last evaluated: 2024-08-12. Review status: criteria provided, single submitter. Criteria: LabCorp Variant Classification Summary - May 2015. Collection method: clinical testing. Allele origin: germline.
Comment: Variant summary: RASA2 c.527+15delT alters a nucleotide located at a position not widely known to affect splicing. Consensus agreement among computation tools predict no significant impact on normal splicing. However, these predictions have yet to be confirmed by functional studies. The variant allele was found at a frequency of 8.1e-05 in 1594914 control chromosomes (gnomAD database v4). The observed variant frequency is approximately 16 fold of the estimated maximal expected allele frequency for a pathogenic variant in RASA2 causing Noonan Syndrome phenotype (5e-06). To our knowledge, no occurrence of c.527+15delT in individuals affected with Noonan Syndrome and no experimental evidence demonstrating its impact on protein function have been reported. ClinVar contains an entry for this variant (Variation ID: 3023975). Based on the evidence outlined above, the variant was classified as benign.

Labcorp Genetics (formerly Invitae), Labcorp
Classification: Benign. Last evaluated: 2024-05-16. Review status: criteria provided, single submitter. Criteria: Invitae Variant Classification Sherloc (09022015). Collection method: clinical testing. Allele origin: germline.